The following is an entry in ClinVar:

NM_001128840.3(CACNA1D):c.6340C>T (p.Arg2114Ter)

Gene: CACNA1D (calcium voltage-gated channel subunit alpha1 D; plus strand). Cytogenetic location: 3p21.1.
Variant type: single nucleotide variant.
Coding change: c.6340C>T on transcript NM_001128840.3 (MANE Select); coding-DNA position 6340, C replaced by T.
Protein change: p.Arg2114Ter; replaces arginine 2114 with a stop codon.
Molecular consequence: nonsense.
Genome position (GRCh38, 1-based): chr3:53,811,260, C>T. VCF-style: chr3-53811260-C-T. GRCh37 (hg19) VCF-style: chr3-53845287-C-T.
Other names: c.6400C>T, p.Arg2134Ter (NM_000720.4); c.6268C>T, p.Arg2090Ter (NM_001128839.3); short protein forms R2114*, R2134*, R2090*.
Identifiers: ClinVar variation 1952610 (VCV001952610.5), dbSNP rs768481685, ClinGen allele CA353259280.
Genomic context (GRCh38, chr3:53,811,260, plus strand): 5'-CTCACCATCGACGAGATGGAGAGTGCAGCCAGCACCCTGCTTAATGGGAACGTGCGTCCC[C>T]GAGCCAACGGGGATGTGGGCCCCCTCTCACACCGGCAGGACTATGAGCTACAGGACTTTG-3'

ClinVar aggregate classification (germline): Uncertain significance (1 of 4 stars; one submission).

Allele frequency attached by ClinVar (database versions not stated): gnomAD 0.00001; gnomAD exomes below 0.00001; TOPMed below 0.00001.
gnomAD v4.1: 5 of 1,613,788 alleles (0.00031%); highest among the groups gnomAD compares: Admixed American, 0.0017%; no homozygotes.

Submission:

Labcorp Genetics (formerly Invitae), Labcorp
Classification: Uncertain significance. Last evaluated: 2025-04-23. Review status: criteria provided, single submitter. Criteria: Invitae Variant Classification Sherloc (09022015). Collection method: clinical testing. Allele origin: germline.
Comment: This sequence change creates a premature translational stop signal (p.Arg2134*) in the CACNA1D gene. While this is not anticipated to result in nonsense mediated decay, it is expected to disrupt the last 48 amino acid(s) of the CACNA1D protein. This variant is present in population databases (no rsID available, gnomAD 0.0009%). This variant has not been reported in the literature in individuals affected with CACNA1D-related conditions. ClinVar contains an entry for this variant (Variation ID: 1952610). Experimental studies and prediction algorithms are not available or were not evaluated, and the functional significance of this variant is currently unknown. In summary, the available evidence is currently insufficient to determine the role of this variant in disease. Therefore, it has been classified as a Variant of Uncertain Significance.